The following is an entry in ClinVar:

NM_001377.3(DYNC2H1):c.11456del (p.Pro3819fs)

Gene: DYNC2H1 (dynein cytoplasmic 2 heavy chain 1; plus strand). Cytogenetic location: 11q22.3.
Variant type: Deletion.
Coding change: c.11456del on transcript NM_001377.3 (MANE Select); coding-DNA position 11456, one base deleted (C; older notation c.11456delC).
Protein change: p.Pro3819fs; shifts the reading frame from proline 3819.
Molecular consequence: frameshift variant.
Genome position (GRCh38, 1-based): chr11:103,307,794, C deleted; the last of 2 consecutive C bases (chr11:103,307,793-103,307,794); deleting either gives the same sequence. VCF-style (leftmost placement, unchanged base first): chr11-103307792-TC-T. GRCh37 (hg19) VCF-style: chr11-103178521-TC-T.
Other names: c.11477del, p.Pro3826fs (NM_001080463.2); short protein forms P3819fs, P3826fs.
Identifiers: ClinVar variation 5016100 (VCV005016100.1).

ClinVar aggregate classification (germline): Pathogenic (1 of 4 stars; one submission).

Conditions:
Asphyxiating thoracic dystrophy 3. Also called: SHORT-RIB THORACIC DYSPLASIA 3 WITH OR WITHOUT POLYDACTYLY; POLYDACTYLY WITH NEONATAL CHONDRODYSTROPHY, TYPE I; SHORT-RIB THORACIC DYSPLASIA 3/6 WITH POLYDACTYLY, DIGENIC; Short rib polydactyly syndrome 2B; Saldino-Noonan Syndrome. Identifiers: Orphanet 474, Orphanet 93269, Orphanet 93270, Orphanet 93271, MedGen C0036069, MONDO:0013127, OMIM 613091.

Submission:

Myriad Genetics, Inc.
Classification: Pathogenic for Asphyxiating thoracic dystrophy 3. Last evaluated: 2026-07-01. Review status: criteria provided, single submitter. Criteria: Myriad Autosomal Dominant, Autosomal Recessive and X-Linked Classification Criteria (2023). Collection method: clinical testing. Allele origin: unknown.
Comment: NM_001377.2(DYNC2H1):c.11456delC(P3819Lfs*8) is expected to be pathogenic in the context of DYNC2H1-related disorders. This variant is predicted to lead to an abnormal or absent protein product due to the creation of a premature termination codon in DYNC2H1, a gene where loss-of-function variants are known to be pathogenic. Please note: this variant was assessed in the context of healthy population screening.